The following is an entry in ClinVar:

NM_133259.4(LRPPRC):c.3022_3023del (p.Pro1008fs)

Gene: LRPPRC (leucine rich pentatricopeptide repeat containing; minus strand). Cytogenetic location: 2p21.
Variant type: Deletion.
Coding change: c.3022_3023del on transcript NM_133259.4 (MANE Select); coding-DNA positions 3022 to 3023, 2 bases deleted (CC; older notation c.3022_3023delCC).
Protein change: p.Pro1008fs; shifts the reading frame from proline 1008.
Molecular consequence: frameshift variant.
Genome position (GRCh38, 1-based): chr2:43,918,272-43,918,273, GG deleted on the plus strand (CC on the coding strand, the reverse complement: LRPPRC is on the minus strand). VCF-style (leftmost placement, unchanged base first): chr2-43918271-CGG-C. GRCh37 (hg19) VCF-style: chr2-44145410-CGG-C.
Other names: short protein forms P1008fs.
Identifiers: ClinVar variation 1355066 (VCV001355066.6), dbSNP rs2105026015, ClinGen allele CA2573134646.
Genomic context (GRCh38, chr2:43,918,271, plus strand): 5'-TATACTGACAACAAAATCTGTTACGATTATGCCAAAAACAATTACCTCAGGTACGTCAAA[CGG>C]AACTTCCTGGTTACCCTCTCTAAGGATTTCTGCTAATAATCTTAATGTCTTTTCACGAGG-3'

ClinVar aggregate classification (germline): Pathogenic (1 of 4 stars; one submission).

Submission:

Labcorp Genetics (formerly Invitae), Labcorp
Classification: Pathogenic. Last evaluated: 2021-07-26. Review status: criteria provided, single submitter. Criteria: Invitae Variant Classification Sherloc (09022015). Collection method: clinical testing. Allele origin: germline.
Comment: For these reasons, this variant has been classified as Pathogenic. This variant has not been reported in the literature in individuals affected with LRPPRC-related conditions. This variant is not present in population databases (ExAC no frequency). This sequence change creates a premature translational stop signal (p.Pro1008Valfs*2) in the LRPPRC gene. It is expected to result in an absent or disrupted protein product. Loss-of-function variants in LRPPRC are known to be pathogenic (PMID: 26510951).

Literature cited by the submitters: PubMed 26510951.